The following is an entry in ClinVar:

ClinVar aggregate classification (germline): Likely pathogenic. Review status: reviewed by expert panel (3 of 4 stars). 2 submissions from 2 submitters: Likely pathogenic (1). 1 of the submissions does not count toward it. Last evaluated 2024-09-17.

Conditions:
RASopathy. Also called: Noonan spectrum disorder; rasopathies. Identifiers: Orphanet 536391, MedGen C5555857, MONDO:0021060.

Submissions (2):

ClinGen RASopathy Variant Curation Expert Panel
Classification: Likely pathogenic for RASopathy. Last evaluated: 2024-09-17. Review status: reviewed by expert panel. Criteria: ClinGen RASopathy ACMG Specifications MRAS V1.1.0. Collection method: curation. Allele origin: germline. Inheritance: Autosomal dominant inheritance.
Comment: The c.67G>C (p.Gly23Arg) variant in MRAS is a missense variant predicted to cause substitution of glycine by arginine at amino acid 23. This variant is absent from gnomAD v4 (PM2_Supporting). The computational predictor REVEL gives a score of 0.906, which is above the threshold of 0.7, evidence that correlates with impact to MRAS function (PP3). A different missense variant, c.68G>T (p.Gly23Val) PMID:28289718, ClinVar ID:635781, in the same codon has been classified as likely pathogenic for RASopathy by the ClinGen RASopathy VCEP (PM5). This variant resides within the P-loop (amino acids 20 – 27) of MRAS that is defined as a critical functional domain by the ClinGen RASopathy VCEP (PM1). ERK and AKT activation assays in HEK 293T cells showed constitutively active forms of MRAS indicating that this variant impacts protein function (PMID:31108500) (PS3_Supporting). This variant has been reported in 1 proband with features of RASopathy (PS4_Supporting; PMID:31108500). This variant has been identified as a de novo occurrence with confirmed parental relationships in 1 individual with features of RASopathy (PS2; PMID:31108500). Given the Moderate strength of gene-disease relationship between MRAS and autosomal dominant RASopathy, ClinGen’s sequence variant interpretation working group does not recommend the classification of variants in this gene beyond likely pathogenic. Based on ACMG/AMP criteria, this variant has enough supporting evidence to be classified as pathogenic; however, the RASopathy VCEP has downgraded this classification to likely pathogenic based on ClinGen policy. In summary, this variant currently meets the criteria to be classified as likely pathogenic for autosomal dominant RASopathy based on the ACMG/AMP criteria applied, as specified by the ClinGen RASopathy VCEP: PS2, PM1, PM5, PS3_P, PS4, P, PM2_P, PP3. (RASopathy VCEP specifications version 1.1; 9/17/2024)

MVZ Martinsried, Medicover Genetics
Classification: Likely pathogenic for Rasopathy. Last evaluated: 2018-05-15. Review status: criteria provided, single submitter. Criteria: ACMG Guidelines, 2015. Collection method: clinical testing. Allele origin: unknown. Affected: yes. Not counted in ClinVar's aggregate classification.

NM_001085049.3(MRAS):c.67G>C (p.Gly23Arg)

Gene: MRAS (muscle RAS oncogene homolog; plus strand). Cytogenetic location: 3q22.3.
Variant type: single nucleotide variant.
Coding change: c.67G>C on transcript NM_001085049.3 (MANE Select); coding-DNA position 67, G replaced by C.
Protein change: p.Gly23Arg; replaces glycine 23 with arginine.
Molecular consequence: missense variant. On other transcripts: intron variant (3).
Genome position (GRCh38, 1-based): chr3:138,372,950, G>C. VCF-style: chr3-138372950-G-C. GRCh37 (hg19) VCF-style: chr3-138091792-G-C.
Other names: NM_001085049.3(MRAS):c.67G>C; p.Gly23Arg; c.67G>C, p.Gly23Arg (NM_001252090.2, NM_012219.4); c.-35-24374G>C (NM_001252091.1); c.-36+24183G>C (NM_001252093.2); c.-36+23918G>C (NM_001252092.2); short protein forms G23R.
Identifiers: ClinVar variation 560681 (VCV000560681.2), dbSNP rs1560171992, ClinGen allele CA354671566.
Genomic context (GRCh38, chr3:138,372,950, plus strand): 5'-ACCAGCGCCGTCCCCAGTGACAACCTCCCCACATACAAGCTGGTGGTGGTGGGGGATGGG[G>C]GTGTGGGCAAAAGTGCCCTCACCATCCAGTTTTTCCAGAAGATCTTTGTGCCTGACTATG-3'
Protein context (NP_001078518.1, residues 13-33): TYKLVVVGDG[Gly23Arg]VGKSALTIQF